The following is an entry in ClinVar:

NM_007198.4(PLPBP):c.454+10C>G

Gene: PLPBP (pyridoxal phosphate binding protein; plus strand). Cytogenetic location: 8p11.23.
Variant type: single nucleotide variant.
Coding change: c.454+10C>G on transcript NM_007198.4 (MANE Select); 10 bases into the intron after coding-DNA position 454, C replaced by G.
Molecular consequence: intron variant.
Genome position (GRCh38, 1-based): chr8:37,772,899, C>G. VCF-style: chr8-37772899-C-G. GRCh37 (hg19) VCF-style: chr8-37630417-C-G.
Other names: c.454+10C>G (NM_001349346.2); c.448+10C>G (NM_001349347.2); c.298+10C>G (NM_001349348.2).
Identifiers: ClinVar variation 4881443 (VCV004881443.2).

ClinVar aggregate classification (germline): Uncertain significance (1 of 4 stars; one submission).

gnomAD v4.1: 2 of 1,614,000 alleles (0.00012%); highest among the groups gnomAD compares: Non-Finnish European, 0.000085%; no homozygotes.

Submission:

Dasa
Classification: Uncertain significance. Last evaluated: 2025-09-17. Review status: criteria provided, single submitter. Criteria: DASA Assertion Criteria. Collection method: clinical testing. Allele origin: germline.
Comment: NM_007198.4(PLPBP):c.454+10C>G is a splice-region variant. This variant is rare in population databases. Computational prediction algorithms are consistent with a benign effect. The currently available literature and clinical evidence are not sufficient to establish a definitive association between this variant and the reported condition. Therefore, this variant is classified as a variant of uncertain significance.